The following is an entry in ClinVar:

NM_021625.5(TRPV4):c.2456G>A (p.Arg819Lys)

Gene: TRPV4 (transient receptor potential cation channel subfamily V member 4; minus strand). Cytogenetic location: 12q24.11.
Variant type: single nucleotide variant.
Coding change: c.2456G>A on transcript NM_021625.5 (MANE Select); coding-DNA position 2456, G replaced by A.
Protein change: p.Arg819Lys; replaces arginine 819 with lysine.
Molecular consequence: missense variant.
Genome position (GRCh38, 1-based): chr12:109,784,318, C>T on the plus strand (G>A on the coding strand, the complement: TRPV4 is on the minus strand). VCF-style: chr12-109784318-C-T. GRCh37 (hg19) VCF-style: chr12-110222123-C-T.
Other names: c.2276G>A, p.Arg759Lys (NM_147204.3); c.2315G>A, p.Arg772Lys (NM_001177428.2); c.2354G>A, p.Arg785Lys (NM_001177431.2); c.2135G>A, p.Arg712Lys (NM_001177433.2); short protein forms R819K, R759K, R785K, R712K, R772K.
Identifiers: ClinVar variation 569379 (VCV000569379.11), dbSNP rs1565857540, ClinGen allele CA386648688.

ClinVar aggregate classification (germline): Uncertain significance. Review status: criteria provided, multiple submitters, no conflicts (2 of 4 stars). 3 submissions from 3 submitters: Uncertain significance (3). Last evaluated 2025-09-10.

Conditions:
Inborn genetic diseases. Identifiers: MedGen C0950123, MeSH D030342.
Charcot-Marie-Tooth disease axonal type 2C (HMSN2C). Also called: Charcot-Marie-Tooth Disease Type 2, TRPV4-Related (CMT2C); CHARCOT-MARIE-TOOTH DISEASE, AXONAL, AUTOSOMAL DOMINANT, TYPE 2C; Charcot-Marie-Tooth Neuropathy Type 2C. Identifiers: Orphanet 99937, MedGen C1853710, MONDO:0011633, OMIM 606071.

Allele frequency attached by ClinVar (database versions not stated): gnomAD exomes below 0.00001.
gnomAD v4.1: 5 of 1,614,180 alleles (0.00031%); highest among the groups gnomAD compares: Non-Finnish European, 0.00042%; no homozygotes.

Submissions (3):

Labcorp Genetics (formerly Invitae), Labcorp
Classification: Uncertain significance for Charcot-Marie-Tooth disease axonal type 2C. Last evaluated: 2025-09-10. Review status: criteria provided, single submitter. Criteria: Invitae Variant Classification Sherloc (09022015). Collection method: clinical testing. Allele origin: germline.
Comment: This sequence change replaces arginine, which is basic and polar, with lysine, which is basic and polar, at codon 819 of the TRPV4 protein (p.Arg819Lys). This variant is not present in population databases (gnomAD no frequency). This variant has not been reported in the literature in individuals affected with TRPV4-related conditions. ClinVar contains an entry for this variant (Variation ID: 569379). An algorithm developed to predict the effect of missense changes on protein structure and function (PolyPhen-2) suggests that this variant is likely to be disruptive. In summary, the available evidence is currently insufficient to determine the role of this variant in disease. Therefore, it has been classified as a Variant of Uncertain Significance.

Ambry Genetics
Classification: Uncertain significance for Inborn genetic diseases. Last evaluated: 2021-07-14. Review status: criteria provided, single submitter. Criteria: Ambry Variant Classification Scheme 2023. Collection method: clinical testing. Allele origin: germline.
Comment: The p.R819K variant (also known as c.2456G>A), located in coding exon 14 of the TRPV4 gene, results from a G to A substitution at nucleotide position 2456. The arginine at codon 819 is replaced by lysine, an amino acid with highly similar properties. This amino acid position is conserved. In addition, the in silico prediction for this alteration is inconclusive. Since supporting evidence is limited at this time, the clinical significance of this alteration remains unclear.

GeneDx
Classification: Uncertain significance. Last evaluated: 2020-01-13. Review status: criteria provided, single submitter. Criteria: GeneDx Variant Classification Process June 2021. Collection method: clinical testing. Allele origin: germline. Affected: yes.
Comment: Not observed in large population cohorts (Lek et al., 2016); In silico analysis, which includes protein predictors and evolutionary conservation, supports that this variant does not alter protein structure/function; Has not been previously published as pathogenic or benign to our knowledge